The following is an entry in ClinVar:

NM_020066.5(FMN2):c.3066A>G (p.Pro1022=)

Gene: FMN2 (formin 2; plus strand). Cytogenetic location: 1q43.
Variant type: single nucleotide variant.
Coding change: c.3066A>G on transcript NM_020066.5 (MANE Select); coding-DNA position 3066, A replaced by G.
Protein change: p.Pro1022=; no amino-acid change (proline 1022 retained).
Molecular consequence: synonymous variant. On other transcripts: intron variant (1).
Genome position (GRCh38, 1-based): chr1:240,207,878, A>G. VCF-style: chr1-240207878-A-G. GRCh37 (hg19) VCF-style: chr1-240371178-A-G.
Other names: c.3066A>G (NM_020066.4); c.3078A>G, p.Pro1026= (NM_001305424.2); c.1986+19616A>G (NM_001348094.2).
Identifiers: ClinVar variation 2640158 (VCV002640158.25), dbSNP rs200618987, ClinGen allele CA39905945.

ClinVar aggregate classification (germline): Likely benign. Review status: criteria provided, multiple submitters, no conflicts (2 of 4 stars). 2 submissions from 2 submitters: Likely benign (2). Last evaluated 2026-05-01.

Conditions:
FMN2-related disorder. Also called: FMN2-related condition.

Submissions (2):

CeGaT Center for Human Genetics Tuebingen
Classification: Likely benign. Last evaluated: 2026-05-01. Review status: criteria provided, single submitter. Criteria: CeGaT Center For Human Genetics Tuebingen Variant Classification Criteria Version 2. Collection method: clinical testing. Allele origin: germline. Affected: yes. Observed: 6 variant alleles.
Comment: FMN2: BP4, BP7

PreventionGenetics, part of Exact Sciences
Classification: Likely benign for FMN2-related condition. Last evaluated: 2020-08-19. Review status: criteria provided, single submitter. Criteria: ACMG Guidelines, 2015. Collection method: clinical testing. Allele origin: germline.
Comment: This variant is classified as likely benign based on ACMG/AMP sequence variant interpretation guidelines (Richards et al. 2015 PMID: 25741868, with internal and published modifications).